The following is an entry in ClinVar:

ClinVar aggregate classification (germline): Uncertain significance (1 of 4 stars; one submission).

Conditions:
Early-infantile DEE. Also called: Early infantile epileptic encephalopathy with suppression bursts; Ohtahara syndrome; Early infantile epileptic encephalopathy. Identifiers: Orphanet 1934, MedGen C0393706, MONDO:0800491.

Allele frequency attached by ClinVar (database versions not stated): TOPMed below 0.00001.

Submission:

Labcorp Genetics (formerly Invitae), Labcorp
Classification: Uncertain significance for Early-infantile DEE. Last evaluated: 2022-04-21. Review status: criteria provided, single submitter. Criteria: Invitae Variant Classification Sherloc (09022015). Collection method: clinical testing. Allele origin: germline.
Comment: This sequence change replaces methionine, which is neutral and non-polar, with isoleucine, which is neutral and non-polar, at codon 1558 of the SCN1A protein (p.Met1558Ile). In summary, the available evidence is currently insufficient to determine the role of this variant in disease. Therefore, it has been classified as a Variant of Uncertain Significance. Advanced modeling of protein sequence and biophysical properties (such as structural, functional, and spatial information, amino acid conservation, physicochemical variation, residue mobility, and thermodynamic stability) performed at Invitae indicates that this missense variant is expected to disrupt SCN1A protein function. This missense change has been observed in individual(s) with clinical features of SCN1A-related conditions (PMID: 29655203; Invitae). This variant is not present in population databases (gnomAD no frequency).

Literature cited by the submitters: PubMed 29655203.

NM_001165963.4(SCN1A):c.4674G>T (p.Met1558Ile)

Genes: SCN1A (sodium voltage-gated channel alpha subunit 1; minus strand), LOC102724058 (uncharacterized LOC102724058; plus strand). Cytogenetic location: 2q24.3.
Variant type: single nucleotide variant.
Coding change: c.4674G>T on transcript NM_001165963.4 (MANE Select); coding-DNA position 4674, G replaced by T.
Protein change: p.Met1558Ile; replaces methionine 1558 with isoleucine.
Molecular consequence: missense variant. On other transcripts: non-coding transcript variant (1).
Genome position (GRCh38, 1-based): chr2:165,994,324, C>A on the plus strand (G>T on the coding strand, the complement: SCN1A is on the minus strand). VCF-style: chr2-165994324-C-A. GRCh37 (hg19) VCF-style: chr2-166850834-C-A.
Other names: c.4590G>T, p.Met1530Ile (NM_001165964.3, NM_001353957.2, NM_001353958.2); c.4674G>T, p.Met1558Ile (NM_001202435.3, NM_001353948.2); c.4641G>T, p.Met1547Ile (NM_001353949.2, NM_001353950.2, NM_001353951.2 and 2 more transcripts); c.4638G>T, p.Met1546Ile (NM_001353954.2, NM_001353955.2); c.4587G>T, p.Met1529Ile (NM_001353960.2); c.2232G>T, p.Met744Ile (NM_001353961.2); short protein forms M1529I, M744I, M1546I, M1530I, M1547I, M1558I.
Identifiers: ClinVar variation 1358588 (VCV001358588.7), dbSNP rs796053023, ClinGen allele CA349072124.
Genomic context (GRCh38, chr2:165,994,324, plus strand): 5'-CAGATTGATGCGTGACAAAATGGTAGTCACATATTCACTCTGGTCATCTGTTTCCACCAT[C>A]ATTGTGACCATGTTAAGACAGATGAGAATCATGATGCTTATGTCAAAAACTTGTCTGGTT-3'
Protein context (NP_001159435.1, residues 1548-1568): MILICLNMVT[Met1558Ile]MVETDDQSEY